The following is an entry in ClinVar:

NM_000642.3(AGL):c.2223_2224del (p.Gln741fs)

Gene: AGL (amylo-alpha-1,6-glucosidase and 4-alpha-glucanotransferase; plus strand). Cytogenetic location: 1p21.2.
Variant type: Deletion.
Coding change: c.2223_2224del on transcript NM_000642.3 (MANE Select); coding-DNA positions 2223 to 2224, 2 bases deleted (GT; older notation c.2223_2224delGT).
Protein change: p.Gln741fs; shifts the reading frame from glutamine 741.
Molecular consequence: frameshift variant.
Genome position (GRCh38, 1-based): chr1:99,881,606-99,881,607, GT deleted. VCF-style (leftmost placement, unchanged base first): chr1-99881605-AGT-A. GRCh37 (hg19) VCF-style: chr1-100347161-AGT-A.
Other names: c.2223_2224delGT, p.Gln741Hisfs (NM_000028.3, NM_000643.3, NM_000644.3 and 2 more transcripts); c.2175_2176delGT, p.Gln725Hisfs (NM_000646.3); c.2022_2023delGT, p.Gln674Hisfs (NM_001425327.1); c.2019_2020delGT, p.Gln673Hisfs (NM_001425328.1, NM_001425329.1); c.1845_1846delGT, p.Gln615Hisfs (NM_001425332.1); c.2223_2224del (NM_000642.2); short protein forms Q725fs, Q741fs.
Identifiers: ClinVar variation 556632 (VCV000556632.5), dbSNP rs1553186613, ClinGen allele CA658821107.

ClinVar aggregate classification (germline): Pathogenic/Likely pathogenic. Review status: criteria provided, multiple submitters, no conflicts (2 of 4 stars). 4 submissions from 4 submitters: Pathogenic (2); Likely pathogenic (1). 1 of the submissions does not count toward it. Last evaluated 2024-02-14.

Conditions:
Glycogen storage disease type III (GSD3). Also called: FORBES DISEASE; Cori disease. Identifiers: Orphanet 366, MedGen C0017922, MONDO:0009291, OMIM 232400.

Submissions (4):

Baylor Genetics
Classification: Pathogenic for Glycogen storage disease type III. Last evaluated: 2024-02-14. Review status: criteria provided, single submitter. Criteria: ACMG Guidelines, 2015. Collection method: clinical testing. Allele origin: unknown.

Genome-Nilou Lab
Classification: Likely pathogenic for Glycogen storage disease type III. Last evaluated: 2023-04-11. Review status: criteria provided, single submitter. Criteria: ACMG Guidelines, 2015. Collection method: clinical testing. Allele origin: germline. Affected: no.

3billion
Classification: Pathogenic for Glycogen storage disease type III. Last evaluated: 2023-02-23. Review status: criteria provided, single submitter. Criteria: ACMG Guidelines, 2015. Collection method: clinical testing. Allele origin: unknown. Affected: yes.
Comment: The variant is not observed in the gnomAD v2.1.1 dataset. This variant was predicted to result in a loss or disruption of normal protein function through nonsense-mediated decay (NMD) or protein truncation. Multiple pathogenic variants are reported downstream of the variant. The variant has been reported to be associated with AGL related disorder (ClinVar ID: VCV000556632 / PMID: 19754354). Therefore, this variant is classified as Pathogenic according to the recommendation of ACMG/AMP guideline.

Counsyl
Classification: Likely pathogenic for Glycogen storage disease type III. Last evaluated: 2018-02-13. Review status: no assertion criteria provided. Collection method: clinical testing. Allele origin: unknown. Not counted in ClinVar's aggregate classification.

Literature cited by the submitters: PubMed 19754354 (cited by 3billion and Counsyl).